The following is an entry in ClinVar:

NM_006767.4(LZTR1):c.614T>C (p.Ile205Thr)

Gene: LZTR1 (leucine zipper like post translational regulator 1; plus strand). Cytogenetic location: 22q11.21.
Variant type: single nucleotide variant.
Coding change: c.614T>C on transcript NM_006767.4 (MANE Select); coding-DNA position 614, T replaced by C.
Protein change: p.Ile205Thr; replaces isoleucine 205 with threonine.
Molecular consequence: missense variant.
Genome position (GRCh38, 1-based): chr22:20,989,645, T>C. VCF-style: chr22-20989645-T-C. GRCh37 (hg19) VCF-style: chr22-21343934-T-C.
Other names: short protein forms I205T.
Identifiers: ClinVar variation 1520195 (VCV001520195.9), dbSNP rs1287917092, ClinGen allele CA410780317.
Genomic context (GRCh38, chr22:20,989,645, plus strand): 5'-ACCAGACCCAAGGGGTCCTCACTGGTCTGTCCTAATACAGGTTGAATGACATGTGGACAA[T>C]TGGCCTCCAGGACCGAGAGCTCACCTGCTGGGAGGAGGTGAGGGGCGTGGGGAGCCAGGG-3'
Protein context (NP_006758.2, residues 195-215): GNARLNDMWT[Ile205Thr]GLQDRELTCW

ClinVar aggregate classification (germline): Uncertain significance. Review status: criteria provided, multiple submitters, no conflicts (2 of 4 stars). 2 submissions from 2 submitters: Uncertain significance (2). Last evaluated 2025-08-15.

Conditions:
Hereditary cancer-predisposing syndrome. Also called: Hereditary neoplastic syndrome; Hereditary Cancer Syndrome; Tumor predisposition; Neoplastic Syndromes, Hereditary. Identifiers: Orphanet 140162, MedGen C0027672, MeSH D009386, MONDO:0015356.
Cardiovascular phenotype. Identifiers: MedGen CN230736.

Allele frequency attached by ClinVar (database versions not stated): gnomAD exomes below 0.00001 and 0.00001; TOPMed 0.00001.
gnomAD v4.1: 4 of 1,613,500 alleles (0.00025%); highest among the groups gnomAD compares: Middle Eastern, 0.016%; no homozygotes.

Submissions (2):

Ambry Genetics
Classification: Uncertain significance for Cardiovascular phenotype; Hereditary cancer-predisposing syndrome. Last evaluated: 2025-08-15. Review status: criteria provided, single submitter. Criteria: Ambry Variant Classification Scheme 2023. Collection method: clinical testing. Allele origin: germline.
Comment: The p.I205T variant (also known as c.614T>C), located in coding exon 7 of the LZTR1 gene, results from a T to C substitution at nucleotide position 614. The isoleucine at codon 205 is replaced by threonine, an amino acid with similar properties. Of note, p.I205T occurred in cis with LZTR1 p.R170W and authors state they cannot exclude the possibility that neither variant would be pathogenic alone (Johnston JJ et al. Genet Med, 2018 10;20:1175-1185). This amino acid position is highly conserved in available vertebrate species. In addition, this alteration is predicted to be deleterious by in silico analysis. Based on the available evidence, the clinical significance of this variant remains unclear.

Labcorp Genetics (formerly Invitae), Labcorp
Classification: Uncertain significance. Last evaluated: 2025-07-30. Review status: criteria provided, single submitter. Criteria: Invitae Variant Classification Sherloc (09022015). Collection method: clinical testing. Allele origin: germline.
Comment: This sequence change replaces isoleucine, which is neutral and non-polar, with threonine, which is neutral and polar, at codon 205 of the LZTR1 protein (p.Ile205Thr). This variant is present in population databases (no rsID available, gnomAD 0.006%). This missense change has been observed in individual(s) with clinical features of Noonan syndrome (PMID: 29469822). ClinVar contains an entry for this variant (Variation ID: 1520195). Invitae Evidence Modeling of protein sequence and biophysical properties (such as structural, functional, and spatial information, amino acid conservation, physicochemical variation, residue mobility, and thermodynamic stability) indicates that this missense variant is not expected to disrupt LZTR1 protein function with a negative predictive value of 80%. In summary, the available evidence is currently insufficient to determine the role of this variant in disease. Therefore, it has been classified as a Variant of Uncertain Significance.

Literature cited by the submitters: PubMed 29469822 (cited by Ambry Genetics and Labcorp Genetics (formerly Invitae), Labcorp).